The following is an entry in ClinVar:

NM_000143.4(FH):c.133-16G>A

Gene: FH (fumarate hydratase; minus strand). Cytogenetic location: 1q43.
Variant type: single nucleotide variant.
Coding change: c.133-16G>A on transcript NM_000143.4 (MANE Select); 16 bases into the intron before coding-DNA position 133, G replaced by A.
Molecular consequence: intron variant.
Genome position (GRCh38, 1-based): chr1:241,517,332, C>T on the plus strand (G>A on the coding strand, the complement: FH is on the minus strand). VCF-style: chr1-241517332-C-T. GRCh37 (hg19) VCF-style: chr1-241680632-C-T.
Identifiers: ClinVar variation 2728078 (VCV002728078.4), dbSNP rs200529043, ClinGen allele CA1478761.

ClinVar aggregate classification (germline): Likely benign. Review status: criteria provided, multiple submitters, no conflicts (2 of 4 stars). 2 submissions from 2 submitters: Likely benign (2). Last evaluated 2024-10-17.

Conditions:
Hereditary leiomyomatosis and renal cell cancer. Also called: MULTIPLE CUTANEOUS AND UTERINE LEIOMYOMATA 1, WITH OR WITHOUT RENAL CELL CARCINOMA; LEIOMYOMA, MULTIPLE CUTANEOUS; FH tumor predisposition syndrome; Reed syndrome; Multiple cutaneous and uterine leiomyomatosis; Cutaneous leiomyomata with uterine leiomyomata. Identifiers: Orphanet 523, MedGen C1708350, MONDO:0007888, OMIM 150800, HP:0007437. Disease mechanism: loss of function.

Allele frequency attached by ClinVar (database versions not stated): gnomAD exomes below 0.00001; ExAC 0.00002.
gnomAD v4.1: 2 of 1,613,676 alleles (0.00012%); highest among the groups gnomAD compares: South Asian, 0.0022%; no homozygotes.

Submissions (2):

Myriad Genetics, Inc.
Classification: Likely benign for Hereditary leiomyomatosis and renal cell cancer. Last evaluated: 2024-10-17. Review status: criteria provided, single submitter. Criteria: Myriad Autosomal Dominant, Autosomal Recessive and X-Linked Classification Criteria (2023). Collection method: clinical testing. Allele origin: unknown.
Comment: This variant is considered likely benign. This variant is intronic and is not expected to impact mRNA splicing.

Labcorp Genetics (formerly Invitae), Labcorp
Classification: Likely benign. Last evaluated: 2023-09-17. Review status: criteria provided, single submitter. Criteria: Invitae Variant Classification Sherloc (09022015). Collection method: clinical testing. Allele origin: germline.